The following is an entry in ClinVar:

ClinVar aggregate classification (germline): Pathogenic (1 of 4 stars; one submission).

Submission:

Labcorp Genetics (formerly Invitae), Labcorp
Classification: Pathogenic. Last evaluated: 2025-04-16. Review status: criteria provided, single submitter. Criteria: Invitae Variant Classification Sherloc (09022015). Collection method: clinical testing. Allele origin: germline.
Comment: This sequence change replaces aspartic acid, which is acidic and polar, with asparagine, which is neutral and polar, at codon 2641 of the CDH23 protein (p.Asp2641Asn). This variant is not present in population databases (gnomAD no frequency). This missense change has been observed in individual(s) with type 1 Usher syndrome (PMID: 21940737). In at least one individual the data is consistent with being in trans (on the opposite chromosome) from a pathogenic variant. It has also been observed to segregate with disease in related individuals. ClinVar contains an entry for this variant (Variation ID: 1072139). Invitae Evidence Modeling of protein sequence and biophysical properties (such as structural, functional, and spatial information, amino acid conservation, physicochemical variation, residue mobility, and thermodynamic stability) has been performed for this missense variant. However, the output from this modeling did not meet the statistical confidence thresholds required to predict the impact of this variant on CDH23 protein function. For these reasons, this variant has been classified as Pathogenic.

Literature cited by the submitters: PubMed 21940737.

NM_022124.6(CDH23):c.7921G>A (p.Asp2641Asn)

Genes: CDH23 (cadherin related 23; plus strand), LOC111982869 (Sharpr-MPRA regulatory region 2121; plus strand). Cytogenetic location: 10q22.1.
Variant type: single nucleotide variant.
Coding change: c.7921G>A on transcript NM_022124.6 (MANE Select); coding-DNA position 7921, G replaced by A.
Protein change: p.Asp2641Asn; replaces aspartic acid 2641 with asparagine.
Molecular consequence: missense variant.
Genome position (GRCh38, 1-based): chr10:71,805,854, G>A. VCF-style: chr10-71805854-G-A. GRCh37 (hg19) VCF-style: chr10-73565611-G-A.
Other names: c.1201G>A, p.Asp401Asn (NM_001171933.1, NM_001171934.1); short protein forms D2641N, D401N.
Identifiers: ClinVar variation 1072139 (VCV001072139.9), dbSNP rs397517354, ClinGen allele CA377161961.
Genomic context (GRCh38, chr10:71,805,854, plus strand): 5'-TGCTCCCCACAGGAGATCCCGCTGCGCTCCAACGTGTACGAGGTCTACGCCACGGACAAG[G>A]ATGAGGGCCTCAACGGGGCGGTGCGCTACAGCTTCCTGAAGACTGCGGGCAACCGGGACT-3'
Protein context (NP_071407.4, residues 2631-2651): NVYEVYATDK[Asp2641Asn]EGLNGAVRYS